The following is an entry in ClinVar:

NM_015355.4(SUZ12):c.588_591del (p.Lys197fs)

Gene: SUZ12 (SUZ12 polycomb repressive complex 2 subunit; plus strand). Cytogenetic location: 17q11.2.
Variant type: Microsatellite.
Coding change: c.588_591del on transcript NM_015355.4 (MANE Select); coding-DNA positions 588 to 591, 4 bases deleted (AAAG; older notation c.588_591delAAAG).
Protein change: p.Lys197fs; shifts the reading frame from lysine 197.
Molecular consequence: frameshift variant.
Genome position (GRCh38, 1-based): chr17:31,973,228-31,973,231, AAAG deleted; deleting any 4 consecutive bases within chr17:31,973,224-31,973,231 gives the same sequence; the c. name uses the placement nearest the transcript's 3' end. VCF-style (leftmost placement, unchanged base first): chr17-31973223-AAAAG-A. GRCh37 (hg19) VCF-style: chr17-30300242-AAAAG-A.
Other names: c.519_522del, p.Lys174fs (NM_001321207.2); short protein forms K174fs, K197fs.
Identifiers: ClinVar variation 3451510 (VCV003451510.1).
Genomic context (GRCh38, chr17:31,973,223, plus strand): 5'-TCAGAAAATGAACAAAATTCTGTTACCCTGGAAGTCCTGCTTGTGAAAGTTTGCCACAAA[AAAAG>A]AAAGGTAATGTCAACAAAATGATATTGGTAGATTAAATGGAATAATTTGCTTAATTGGAC-3'

ClinVar aggregate classification (germline): Pathogenic (1 of 4 stars; one submission).

Conditions:
Inborn genetic diseases. Identifiers: MedGen C0950123, MeSH D030342.

Submission:

Ambry Genetics
Classification: Pathogenic for Inborn genetic diseases. Last evaluated: 2024-12-05. Review status: criteria provided, single submitter. Criteria: Ambry Variant Classification Scheme 2023. Collection method: clinical testing. Allele origin: germline.
Comment: The c.588_591delAAAG (p.K197Mfs*2) alteration, located in exon 6 (coding exon 6) of the SUZ12 gene, consists of a deletion of 4 nucleotides from position 588 to 591, causing a translational frameshift with a predicted alternate stop codon after 2 amino acids. This alteration is expected to result in loss of function by premature protein truncation or nonsense-mediated mRNA decay. This variant was not reported in population-based cohorts in the Genome Aggregation Database (gnomAD). Based on the available evidence, this alteration is classified as pathogenic.